The following is an entry in ClinVar:

ClinVar aggregate classification (germline): not provided (0 of 4 stars; one submission).

Allele frequency attached by ClinVar (database versions not stated): gnomAD 0.00001.
gnomAD v4.1: 1 of 1,604,734 alleles (0.000062%); highest among the groups gnomAD compares: East Asian, 0.0022%; no homozygotes.

Submission:

Human Evolutionary Genetics, Institut Pasteur
No classification provided. Review status: no classification provided. Collection method: not provided. Allele origin: germline.
ClinVar note: Converted during submission from untested to not provided.

NM_178844.4(NLRC3):c.2630A>C (p.Gln877Pro)

Gene: NLRC3 (NLR family CARD domain containing 3; minus strand). Cytogenetic location: 16p13.3.
Variant type: single nucleotide variant.
Coding change: c.2630A>C on transcript NM_178844.4 (MANE Select); coding-DNA position 2630, A replaced by C.
Protein change: p.Gln877Pro; replaces glutamine 877 with proline.
Molecular consequence: missense variant. On other transcripts: non-coding transcript variant (1).
Genome position (GRCh38, 1-based): chr16:3,548,727, T>G on the plus strand (A>C on the coding strand, the complement: NLRC3 is on the minus strand). VCF-style: chr16-3548727-T-G. GRCh37 (hg19) VCF-style: chr16-3598727-T-G.
Other names: short protein forms Q877P.
Identifiers: ClinVar variation 102961 (VCV000102961.2), dbSNP rs199475944, ClinGen allele CA229925.